The following is an entry in ClinVar:

NM_003718.5(CDK13):c.578G>A (p.Gly193Glu)

Genes: CDK13 (cyclin dependent kinase 13; plus strand), LOC129998293 (ATAC-STARR-seq lymphoblastoid silent region 18116; plus strand). Cytogenetic location: 7p14.1.
Variant type: single nucleotide variant.
Coding change: c.578G>A on transcript NM_003718.5 (MANE Select); coding-DNA position 578, G replaced by A.
Protein change: p.Gly193Glu; replaces glycine 193 with glutamic acid.
Molecular consequence: missense variant.
Genome position (GRCh38, 1-based): chr7:39,951,219, G>A. VCF-style: chr7-39951219-G-A. GRCh37 (hg19) VCF-style: chr7-39990818-G-A.
Other names: c.578G>A, p.Gly193Glu (NM_031267.4); short protein forms G193E.
Identifiers: ClinVar variation 1958213 (VCV001958213.7), dbSNP rs1289619135, ClinGen allele CA367310026.

ClinVar aggregate classification (germline): Uncertain significance. Review status: criteria provided, multiple submitters, no conflicts (2 of 4 stars). 2 submissions from 2 submitters: Uncertain significance (2). Last evaluated 2025-12-09.

Conditions:
Inborn genetic diseases. Identifiers: MedGen C0950123, MeSH D030342.

Allele frequency attached by ClinVar (database versions not stated): gnomAD 0.00003; gnomAD exomes 0.00003; TOPMed 0.00004.
gnomAD v4.1: 12 of 1,267,104 alleles (0.00095%); highest among the groups gnomAD compares: East Asian, 0.038%; no homozygotes.

Submissions (2):

Labcorp Genetics (formerly Invitae), Labcorp
Classification: Uncertain significance. Last evaluated: 2025-12-09. Review status: criteria provided, single submitter. Criteria: Invitae Variant Classification Sherloc (09022015). Collection method: clinical testing. Allele origin: germline.
Comment: This sequence change replaces glycine, which is neutral and non-polar, with glutamic acid, which is acidic and polar, at codon 193 of the CDK13 protein (p.Gly193Glu). This variant is present in population databases (no rsID available, gnomAD 0.1%). This variant has not been reported in the literature in individuals affected with CDK13-related conditions. ClinVar contains an entry for this variant (Variation ID: 1958213). Invitae Evidence Modeling of protein sequence and biophysical properties (such as structural, functional, and spatial information, amino acid conservation, physicochemical variation, residue mobility, and thermodynamic stability) indicates that this missense variant is not expected to disrupt CDK13 protein function with a negative predictive value of 95%. In summary, the available evidence is currently insufficient to determine the role of this variant in disease. Therefore, it has been classified as a Variant of Uncertain Significance.

Ambry Genetics
Classification: Uncertain significance for Inborn genetic diseases. Last evaluated: 2023-05-18. Review status: criteria provided, single submitter. Criteria: Ambry Variant Classification Scheme 2023. Collection method: clinical testing. Allele origin: germline.